The following is an entry in ClinVar:

ClinVar aggregate classification (germline): Benign (0 of 4 stars; one submission).

Conditions:
KCNQ1-related disorder. Also called: KCNQ1-related condition; KCNQ1-related disorders. Identifiers: MedGen CN239322.

Allele frequency attached by ClinVar (database versions not stated): gnomAD exomes 0.23615; 1000 Genomes Project 0.24920; 1000 Genomes Project 30x 0.25031; TOPMed 0.27737.
gnomAD v4.1: 99,607 of 398,432 alleles (25%); highest among the groups gnomAD compares: African/African-American, 35%; 13,487 homozygotes.

Submission:

PreventionGenetics, part of Exact Sciences
Classification: Benign for KCNQ1-related condition. Last evaluated: 2019-10-28. Review status: no assertion criteria provided. Collection method: clinical testing. Allele origin: germline.
Comment: This variant is classified as benign based on ACMG/AMP sequence variant interpretation guidelines (Richards et al. 2015 PMID: 25741868, with internal and published modifications).

NM_000218.3(KCNQ1):c.1514+7220T>C

Genes: KCNQ1 (potassium voltage-gated channel subfamily Q member 1; plus strand), KCNQ1OT1 (KCNQ1 opposite strand/antisense transcript 1; minus strand). Cytogenetic location: 11p15.5.
Variant type: single nucleotide variant.
Coding change: c.1514+7220T>C on transcript NM_000218.3 (MANE Select); 7220 bases into the intron after coding-DNA position 1514, T replaced by C.
Molecular consequence: intron variant. On other transcripts: non-coding transcript variant (1).
Genome position (GRCh38, 1-based): chr11:2,669,301, T>C. VCF-style: chr11-2669301-T-C. GRCh37 (hg19) VCF-style: chr11-2690531-T-C.
Other names: c.1244+7220T>C (NM_001406837.1); c.1418+7220T>C (NM_001406836.1); c.974+7220T>C (NM_001406838.1); c.1133+7220T>C (NM_181798.2).
Identifiers: ClinVar variation 3059037 (VCV003059037.2), dbSNP rs4930005, ClinGen allele CA13435733.